The following is an entry in ClinVar:

ClinVar aggregate classification (germline): Conflicting classifications of pathogenicity. Review status: criteria provided, conflicting classifications (1 of 4 stars). 2 submissions from 2 submitters: Uncertain significance (1); Likely benign (1). Last evaluated 2026-06-12.

Conditions:
Inborn genetic diseases. Identifiers: MedGen C0950123, MeSH D030342.

Allele frequency attached by ClinVar (database versions not stated): gnomAD exomes below 0.00001.
gnomAD v4.1: 6 of 1,460,554 alleles (0.00041%); highest among the groups gnomAD compares: Middle Eastern, 0.024%; no homozygotes.

Submissions (2):

Ambry Genetics
Classification: Likely benign for Inborn genetic diseases. Last evaluated: 2026-06-12. Review status: criteria provided, single submitter. Criteria: Ambry Variant Classification Scheme 2023. Collection method: clinical testing. Allele origin: germline.

Labcorp Genetics (formerly Invitae), Labcorp
Classification: Uncertain significance. Last evaluated: 2023-10-16. Review status: criteria provided, single submitter. Criteria: Invitae Variant Classification Sherloc (09022015). Collection method: clinical testing. Allele origin: germline.
Comment: This sequence change replaces proline, which is neutral and non-polar, with serine, which is neutral and polar, at codon 73 of the DEAF1 protein (p.Pro73Ser). This variant is not present in population databases (gnomAD no frequency). This variant has not been reported in the literature in individuals affected with DEAF1-related conditions. ClinVar contains an entry for this variant (Variation ID: 1488957). Algorithms developed to predict the effect of missense changes on protein structure and function output the following: SIFT: "Not Available"; PolyPhen-2: "Benign"; Align-GVGD: "Not Available". The serine amino acid residue is found in multiple mammalian species, which suggests that this missense change does not adversely affect protein function. In summary, the available evidence is currently insufficient to determine the role of this variant in disease. Therefore, it has been classified as a Variant of Uncertain Significance.

NM_021008.4(DEAF1):c.217C>T (p.Pro73Ser)

Gene: DEAF1 (DEAF1 transcription factor; minus strand). Cytogenetic location: 11p15.5.
Variant type: single nucleotide variant.
Coding change: c.217C>T on transcript NM_021008.4 (MANE Select); coding-DNA position 217, C replaced by T.
Protein change: p.Pro73Ser; replaces proline 73 with serine.
Molecular consequence: missense variant. On other transcripts: intron variant (1).
Genome position (GRCh38, 1-based): chr11:694,831, G>A on the plus strand (C>T on the coding strand, the complement: DEAF1 is on the minus strand). VCF-style: chr11-694831-G-A. GRCh37 (hg19) VCF-style: chr11-694831-G-A.
Other names: c.217C>T, p.Pro73Ser (NM_001293634.2); c.-437-3233C>T (NM_001367390.1); c.217C>T (NM_021008.2); short protein forms P73S.
Identifiers: ClinVar variation 1488957 (VCV001488957.6), dbSNP rs1243122062, ClinGen allele CA378939241.